The following is an entry in ClinVar:

NM_017739.4(POMGNT1):c.1510G>A (p.Val504Ile)

Genes: POMGNT1 (protein O-linked mannose N-acetylglucosaminyltransferase 1 (beta 1,2-); minus strand), TSPAN1 (tetraspanin 1; plus strand). Cytogenetic location: 1p34.1.
Variant type: single nucleotide variant.
Coding change: c.1510G>A on transcript NM_017739.4 (MANE Select); coding-DNA position 1510, G replaced by A.
Protein change: p.Val504Ile; replaces valine 504 with isoleucine.
Molecular consequence: missense variant.
Genome position (GRCh38, 1-based): chr1:46,192,127, C>T on the plus strand (G>A on the coding strand, the complement: POMGNT1 is on the minus strand). VCF-style: chr1-46192127-C-T. GRCh37 (hg19) VCF-style: chr1-46657799-C-T.
Other names: c.1510G>A, p.Val504Ile (NM_001243766.2, NM_001410783.1); c.1444G>A, p.Val482Ile (NM_001290129.3); c.1081G>A, p.Val361Ile (NM_001290130.2); short protein forms V504I, V482I, V361I.
Identifiers: ClinVar variation 281057 (VCV000281057.35), dbSNP rs17102066, ClinGen allele CA833347.
Genomic context (GRCh38, chr1:46,192,127, plus strand): 5'-CACTGTGCCCTGCTCCCTGCCTCCCACTCACGTGAAAGTAGCCATTCATGTTGAGGCCGA[C>T]GATGCCAAAGTGGTAGGATCGGGAAACGTCAGGGATGATGCACTCTCGGCCCCGGCGTTG-3'
Protein context (NP_060209.4, residues 494-514): DVSRSYHFGI[Val504Ile]GLNMNGYFHE

ClinVar aggregate classification (germline): Conflicting classifications of pathogenicity. Review status: criteria provided, conflicting classifications (1 of 4 stars). 13 submissions from 12 submitters: Uncertain significance (2); Benign (3); Likely benign (5). 3 of the submissions do not count toward it. Last evaluated 2026-01-27.

Conditions:
Congenital Muscular Dystrophy, alpha-dystroglycan related.
Autosomal recessive limb-girdle muscular dystrophy type 2O. Also called: MUSCULAR DYSTROPHY-DYSTROGLYCANOPATHY, LIMB-GIRDLE, POMGNT1-RELATED; Limb-Girdle Muscular Dystrophy Type 3C; MUSCULAR DYSTROPHY-DYSTROGLYCANOPATHY (LIMB-GIRDLE), TYPE C, 3. Identifiers: Orphanet 206564, MedGen C3150417, MONDO:0013161, OMIM 613157.
Muscle eye brain disease (MEB). Also called: Santavuori congenital muscular dystrophy. Identifiers: Orphanet 588, Orphanet 899, MedGen C0457133, MONDO:0018939.
Muscular dystrophy-dystroglycanopathy (congenital with impaired intellectual development), type B, 3. Also called: Muscular dystrophy-dystroglycanopathy (congenital with intellectual disability), type B3; MUSCULAR DYSTROPHY, CONGENITAL, POMGNT1-RELATED. Identifiers: MedGen C3150412, MONDO:0013155, OMIM 613151.
Muscular dystrophy-dystroglycanopathy (congenital with brain and eye anomalies), type A3. Also called: Congenital muscular dystrophy-dystroglycanopathy with brain and eye anomalies, type A3; WALKER-WARBURG SYNDROME OR MUSCLE-EYE-BRAIN DISEASE, POMGNT1-RELATED; Muscular dystrophy-dystroglycanopathy (congenital with brain and eye anomalies), type A, 3. Identifiers: MedGen C3151519, MONDO:0009667, OMIM 253280.

Allele frequency attached by ClinVar (database versions not stated): ESP Exome Variant Server 0.00261; ExAC 0.00113; gnomAD 0.00246 and 0.00264; 1000 Genomes Project 30x 0.00250; 1000 Genomes Project 0.00280; TOPMed 0.00296.
gnomAD v4.1: 800 of 1,614,108 alleles (0.05%); highest among the groups gnomAD compares: African/African-American, 0.83%; 3 homozygotes.

Submissions (13):

Labcorp Genetics (formerly Invitae), Labcorp
Classification: Benign for Autosomal recessive limb-girdle muscular dystrophy type 2O; Muscular dystrophy-dystroglycanopathy (congenital with impaired intellectual development), type B, 3. Last evaluated: 2026-01-27. Review status: criteria provided, single submitter. Criteria: Invitae Variant Classification Sherloc (09022015). Collection method: clinical testing. Allele origin: germline.

Blueprint Genetics
Classification: Likely benign. Last evaluated: 2024-10-24. Review status: criteria provided, single submitter. Criteria: ACMG Guidelines, 2015. Collection method: clinical testing. Allele origin: germline.

Mayo Clinic Laboratories, Mayo Clinic
Classification: Benign. Last evaluated: 2023-12-05. Review status: criteria provided, single submitter. Criteria: ACMG Guidelines, 2015. Collection method: clinical testing. Allele origin: germline. Observed: 5 variant alleles.
Comment: BS1, BS2, BP4

GeneDx
Classification: Likely benign. Last evaluated: 2020-10-29. Review status: criteria provided, single submitter. Criteria: GeneDx Variant Classification Process June 2021. Collection method: clinical testing. Allele origin: germline. Affected: yes.
Comment: This variant is associated with the following publications: (PMID: 26206375)

Genetic Services Laboratory, University of Chicago
Classification: Likely benign. Last evaluated: 2019-04-24. Review status: criteria provided, single submitter. Criteria: ACMG Guidelines, 2015. Collection method: clinical testing. Allele origin: germline. Affected: no.

Athena Diagnostics
Classification: Likely benign. Last evaluated: 2019-03-22. Review status: criteria provided, single submitter. Criteria: Athena Diagnostics Criteria. Collection method: clinical testing. Allele origin: germline.

Baylor Genetics
Classification: Uncertain significance for Muscular dystrophy-dystroglycanopathy (congenital with brain and eye anomalies), type A3. Last evaluated: 2018-02-26. Review status: criteria provided, single submitter. Criteria: ACMG Guidelines, 2015. Collection method: clinical testing. Allele origin: unknown. Affected: yes.
Comment: This variant was determined to be of uncertain significance according to ACMG Guidelines, 2015 [PMID:25741868].

Illumina Laboratory Services, Illumina
Classification: Likely benign for Congenital Muscular Dystrophy, alpha-dystroglycan related. Last evaluated: 2018-01-12. Review status: criteria provided, single submitter. Criteria: ICSL Variant Classification Criteria 13 December 2019. Collection method: clinical testing. Allele origin: germline.
Comment: This variant was observed in the ICSL laboratory as part of a predisposition screen in an ostensibly healthy population. It had not been previously curated by ICSL or reported in the Human Gene Mutation Database (HGMD: prior to June 1st, 2018), and was therefore a candidate for classification through an automated scoring system. Utilizing variant allele frequency, disease prevalence and penetrance estimates, and inheritance mode, an automated score was calculated to assess if this variant is too frequent to cause the disease. Based on the score and internal cut-off values, a variant classified as likely benign is not then subjected to further curation. The score for this variant resulted in a classification of likely benign for this disease.

Illumina Laboratory Services, Illumina
Classification: Uncertain significance for Autosomal recessive limb-girdle muscular dystrophy type 2O. Last evaluated: 2018-01-12. Review status: criteria provided, single submitter. Criteria: ICSL Variant Classification Criteria 13 December 2019. Collection method: clinical testing. Allele origin: germline.

Eurofins Ntd Llc (ga)
Classification: Benign. Last evaluated: 2016-01-12. Review status: criteria provided, single submitter. Criteria: EGL Classification Definitions 2015. Collection method: clinical testing. Allele origin: germline. Observed: 3 variant alleles, 2 heterozygotes.

Natera, Inc.
Classification: Benign for Muscle-eye-brain disease. Last evaluated: 2019-10-22. Review status: no assertion criteria provided. Collection method: clinical testing. Allele origin: germline. Not counted in ClinVar's aggregate classification.

Clinical Genetics DNA and cytogenetics Diagnostics Lab, Erasmus MC, Erasmus Medical Center
Classification: Likely benign. Review status: no assertion criteria provided. Collection method: clinical testing. Allele origin: germline. Affected: yes. Study: VKGL Data-share Consensus. Not counted in ClinVar's aggregate classification.

Clinical Genetics, Academic Medical Center
Classification: Likely benign. Review status: no assertion criteria provided. Collection method: clinical testing. Allele origin: germline. Affected: yes. Study: VKGL Data-share Consensus. Not counted in ClinVar's aggregate classification.